The following is an entry in ClinVar:

NM_001378452.1(ITPR1):c.4682C>T (p.Pro1561Leu)

Genes: BRRIAR (BHLHE40 and RIG-I regulating ITPR1 antisense RNA; minus strand), ITPR1 (inositol 1,4,5-trisphosphate receptor type 1; plus strand). Cytogenetic location: 3p26.1.
Variant type: single nucleotide variant.
Coding change: c.4682C>T on transcript NM_001378452.1 (MANE Select); coding-DNA position 4682, C replaced by T.
Protein change: p.Pro1561Leu; replaces proline 1561 with leucine.
Molecular consequence: missense variant.
Genome position (GRCh38, 1-based): chr3:4,706,191, C>T. VCF-style: chr3-4706191-C-T. GRCh37 (hg19) VCF-style: chr3-4747875-C-T.
Other names: c.4655C>T, p.Pro1552Leu (NM_001099952.4); c.4637C>T, p.Pro1546Leu (NM_001168272.2); c.4610C>T, p.Pro1537Leu (NM_002222.7); short protein forms P1537L, P1546L, P1552L, P1561L.
Identifiers: ClinVar variation 2502793 (VCV002502793.1), dbSNP rs768719676, ClinGen allele CA2232089.

ClinVar aggregate classification (germline): Uncertain significance (1 of 4 stars; one submission).

Allele frequency attached by ClinVar (database versions not stated): ExAC 0.00001.

Submission:

GeneDx
Classification: Uncertain significance. Last evaluated: 2022-11-21. Review status: criteria provided, single submitter. Criteria: GeneDx Variant Classification Process June 2021. Collection method: clinical testing. Allele origin: germline. Affected: yes.
Comment: In silico analysis supports that this missense variant has a deleterious effect on protein structure/function; Has not been previously published as pathogenic or benign to our knowledge